The following is an entry in ClinVar:

NM_152564.5(VPS13B):c.937G>A (p.Gly313Ser)

Gene: VPS13B (vacuolar protein sorting 13 homolog B; plus strand). Cytogenetic location: 8q22.2.
Variant type: single nucleotide variant.
Coding change: c.937G>A on transcript NM_152564.5 (MANE Select); coding-DNA position 937, G replaced by A.
Protein change: p.Gly313Ser; replaces glycine 313 with serine.
Molecular consequence: missense variant. On other transcripts: non-coding transcript variant (1).
Genome position (GRCh38, 1-based): chr8:99,115,874, G>A. VCF-style: chr8-99115874-G-A. GRCh37 (hg19) VCF-style: chr8-100128102-G-A.
Other names: c.937G>A, p.Gly313Ser (NM_015243.3, NM_017890.5, NM_181661.3); short protein forms G313S.
Identifiers: ClinVar variation 5040479 (VCV005040479.1).
Genomic context (GRCh38, chr8:99,115,874, plus strand): 5'-AAAGAAGGCGAAATAGAGGACCTTACTTGTCATAATAAAGATATGCTAGGAAACATTACA[G>A]GTAATGTAAAACTTTATTAAACAAAAACTTTATTTTAAGACTATTCTTACGTTTTACCAT-3'
Protein context (NP_689777.3, residues 303-323): HNKDMLGNIT[Gly313Ser]SEDETRIDMQ

ClinVar aggregate classification (germline): Uncertain significance (1 of 4 stars; one submission).

Submission:

CeGaT Center for Human Genetics Tuebingen
Classification: Uncertain significance. Last evaluated: 2026-08-01. Review status: criteria provided, single submitter. Criteria: CeGaT Center For Human Genetics Tuebingen Variant Classification Criteria Version 2. Collection method: clinical testing. Allele origin: germline. Affected: yes. Observed: 1 variant allele.
Comment: VPS13B: PM2, PP3